The following is an entry in ClinVar:

ClinVar aggregate classification (germline): Benign (1 of 4 stars; one submission).

Allele frequency attached by ClinVar (database versions not stated): 1000 Genomes Project 30x 0.16802; 1000 Genomes Project 0.17173; gnomAD 0.17618 and 0.17987; TOPMed 0.17751.
gnomAD v4.1: 27,352 of 152,210 alleles (18%); highest among the groups gnomAD compares: Middle Eastern, 31%; 2,633 homozygotes.

Submission:

GeneDx
Classification: Benign. Last evaluated: 2018-06-19. Review status: criteria provided, single submitter. Criteria: GeneDx Variant Classification (06012015). Collection method: clinical testing. Allele origin: germline. Affected: yes.
Comment: This variant is considered likely benign or benign based on one or more of the following criteria: it is a conservative change, it occurs at a poorly conserved position in the protein, it is predicted to be benign by multiple in silico algorithms, and/or has population frequency not consistent with disease.

NM_182961.4(SYNE1):c.226-227A>G

Gene: SYNE1 (spectrin repeat containing nuclear envelope protein 1; minus strand). Cytogenetic location: 6q25.2.
Variant type: single nucleotide variant.
Coding change: c.226-227A>G on transcript NM_182961.4 (MANE Select); 227 bases into the intron before coding-DNA position 226, A replaced by G.
Molecular consequence: intron variant.
Genome position (GRCh38, 1-based): chr6:152,520,769, T>C on the plus strand (A>G on the coding strand, the complement: SYNE1 is on the minus strand). VCF-style: chr6-152520769-T-C. GRCh37 (hg19) VCF-style: chr6-152841904-T-C.
Other names: c.226-227A>G (NM_033071.5).
Identifiers: ClinVar variation 670582 (VCV000670582.1), dbSNP rs2623980, ClinGen allele CA12344390.
Genomic context (GRCh38, chr6:152,520,769, plus strand): 5'-ATGGCACTCTGAAGATATACTAATTCACTCAATAAGTGCATTCATTCTCAGATTATCTGT[T>C]AATGCATTTGCCTTTTAGTCTTCTGTATGTCTAAGAGCAGAAATTATTTACTGAGACCTC-3'